The following is an entry in ClinVar:

NM_000143.4(FH):c.983T>C (p.Met328Thr)

Gene: FH (fumarate hydratase; minus strand). Cytogenetic location: 1q43.
Variant type: single nucleotide variant.
Coding change: c.983T>C on transcript NM_000143.4 (MANE Select); coding-DNA position 983, T replaced by C.
Protein change: p.Met328Thr; replaces methionine 328 with threonine.
Molecular consequence: missense variant.
Genome position (GRCh38, 1-based): chr1:241,504,167, A>G on the plus strand (T>C on the coding strand, the complement: FH is on the minus strand). VCF-style: chr1-241504167-A-G. GRCh37 (hg19) VCF-style: chr1-241667467-A-G.
Other names: short protein forms M328T.
Identifiers: ClinVar variation 2024925 (VCV002024925.4), dbSNP rs2147916225, ClinGen allele CA345438285.

ClinVar aggregate classification (germline): Uncertain significance (1 of 4 stars; one submission).

Submission:

Labcorp Genetics (formerly Invitae), Labcorp
Classification: Uncertain significance. Last evaluated: 2022-08-21. Review status: criteria provided, single submitter. Criteria: Invitae Variant Classification Sherloc (09022015). Collection method: clinical testing. Allele origin: germline.
Comment: This variant is not present in population databases (gnomAD no frequency). In summary, the available evidence is currently insufficient to determine the role of this variant in disease. Therefore, it has been classified as a Variant of Uncertain Significance. Advanced modeling of protein sequence and biophysical properties (such as structural, functional, and spatial information, amino acid conservation, physicochemical variation, residue mobility, and thermodynamic stability) performed at Invitae indicates that this missense variant is expected to disrupt FH protein function. This variant has not been reported in the literature in individuals affected with FH-related conditions. This sequence change replaces methionine, which is neutral and non-polar, with threonine, which is neutral and polar, at codon 328 of the FH protein (p.Met328Thr).